The following is an entry in ClinVar:

NM_001128431.4(SLC39A14):c.967_968delinsAC (p.Tyr323Thr)

Gene: SLC39A14 (solute carrier family 39 member 14; plus strand). Cytogenetic location: 8p21.3.
Variant type: Indel.
Coding change: c.967_968delinsAC on transcript NM_001128431.4 (MANE Select); coding-DNA positions 967 to 968, TA replaced by AC.
Protein change: p.Tyr323Thr; replaces tyrosine 323 with threonine.
Molecular consequence: missense variant.
Genome position (GRCh38, 1-based): chr8:22,416,100-22,416,101, TA replaced by AC. VCF-style: chr8-22416100-TA-AC. GRCh37 (hg19) VCF-style: chr8-22273613-TA-AC.
Other names: c.967_968delinsAC, p.Tyr323Thr (NM_001135153.3, NM_001135154.3, NM_001351655.2 and 3 more transcripts); c.997_998delinsAC, p.Tyr333Thr (NM_001351657.2, NM_001351658.2, NM_001351659.2); short protein forms Y323T, Y333T.
Identifiers: ClinVar variation 1439749 (VCV001439749.10), dbSNP rs2132359931, ClinGen allele CA2573142638.
Genomic context (GRCh38, chr8:22,416,100, plus strand): 5'-CGCTGTGGGCCCTGGGGGTGTGCTTTCTCCTAGGACCTGCAGGCTTCCCAGAGTGCTTGC[TA>AC]CTGGCTGAAAGGTGTCCGCTACTCTGATATCGGCACTCTGGCCTGGATGATCACTCTGAG-3'
Protein context (NP_001121903.1, residues 313-333): QDLQASQSAC[Tyr323Thr]WLKGVRYSDI

ClinVar aggregate classification (germline): Uncertain significance. Review status: criteria provided, multiple submitters, no conflicts (2 of 4 stars). 2 submissions from 2 submitters: Uncertain significance (2). Last evaluated 2026-03-01.

Submissions (2):

CeGaT Center for Human Genetics Tuebingen
Classification: Uncertain significance. Last evaluated: 2026-03-01. Review status: criteria provided, single submitter. Criteria: CeGaT Center For Human Genetics Tuebingen Variant Classification Criteria Version 2. Collection method: clinical testing. Allele origin: germline. Affected: yes. Observed: 1 variant allele.
Comment: SLC39A14: PM2

Labcorp Genetics (formerly Invitae), Labcorp
Classification: Uncertain significance. Last evaluated: 2021-05-19. Review status: criteria provided, single submitter. Criteria: Invitae Variant Classification Sherloc (09022015). Collection method: clinical testing. Allele origin: germline.
Comment: This variant has not been reported in the literature in individuals with SLC39A14-related conditions. The frequency data for this variant in the population databases is not available, as this variant may be reported as separate entries in the ExAC database. This sequence change replaces tyrosine with threonine at codon 323 of the SLC39A14 protein (p.Tyr323Thr). The tyrosine residue is highly conserved and there is a moderate physicochemical difference between tyrosine and threonine. Algorithms developed to predict the effect of missense changes on protein structure and function are either unavailable or do not agree on the potential impact of this missense change (SIFT: "Not Available"; PolyPhen-2: "Benign"; Align-GVGD: "Not Available"). In summary, the available evidence is currently insufficient to determine the role of this variant in disease. Therefore, it has been classified as a Variant of Uncertain Significance.